The following is an entry in ClinVar:

ClinVar aggregate classification (germline): Uncertain significance (1 of 4 stars; one submission).

Conditions:
Hereditary cancer-predisposing syndrome. Also called: Neoplastic Syndromes, Hereditary; Tumor predisposition; Hereditary Cancer Syndrome; Hereditary neoplastic syndrome. Identifiers: Orphanet 140162, MedGen C0027672, MeSH D009386, MONDO:0015356.

Submission:

Ambry Genetics
Classification: Uncertain significance for Hereditary cancer-predisposing syndrome. Last evaluated: 2026-04-18. Review status: criteria provided, single submitter. Criteria: Ambry Variant Classification Scheme 2023. Collection method: clinical testing. Allele origin: germline.
Comment: The p.Q1916P variant (also known as c.5747A>C), located in coding exon 26 of the DICER1 gene, results from an A to C substitution at nucleotide position 5747. The glutamine at codon 1916 is replaced by proline, an amino acid with similar properties. This amino acid position is conserved. In addition, this alteration is predicted to be deleterious by in silico analysis. Based on the available evidence, the clinical significance of this variant remains unclear.

NM_177438.3(DICER1):c.5747A>C (p.Gln1916Pro)

Gene: DICER1 (dicer 1, ribonuclease III; minus strand). Cytogenetic location: 14q32.13.
Variant type: single nucleotide variant.
Coding change: c.5747A>C on transcript NM_177438.3 (MANE Select); coding-DNA position 5747, A replaced by C.
Protein change: p.Gln1916Pro; replaces glutamine 1916 with proline.
Molecular consequence: missense variant. On other transcripts: 3 prime UTR variant (1), non-coding transcript variant (6).
Genome position (GRCh38, 1-based): chr14:95,090,520, T>G on the plus strand (A>C on the coding strand, the complement: DICER1 is on the minus strand). VCF-style: chr14-95090520-T-G. GRCh37 (hg19) VCF-style: chr14-95556857-T-G.
Other names: c.5747A>C, p.Gln1916Pro (NM_001395678.1, NM_001395679.1, NM_001395680.1 and 7 more transcripts); c.5465A>C, p.Gln1822Pro (NM_001395686.1); c.5342A>C, p.Gln1781Pro (NM_001395687.1, NM_001395688.1, NM_001395689.1 and 1 more transcripts); c.*94A>C (NM_001195573.1); c.5180A>C, p.Gln1727Pro (NM_001395691.1); c.4064A>C, p.Gln1355Pro (NM_001395697.1); short protein forms Q1355P, Q1727P, Q1781P, Q1822P, Q1916P.
Identifiers: ClinVar variation 4869762 (VCV004869762.1).